The following is an entry in ClinVar:

NM_005188.4(CBL):c.1633C>T (p.Pro545Ser)

Gene: CBL (Cbl proto-oncogene; plus strand). Cytogenetic location: 11q23.3.
Variant type: single nucleotide variant.
Coding change: c.1633C>T on transcript NM_005188.4 (MANE Select); coding-DNA position 1633, C replaced by T.
Protein change: p.Pro545Ser; replaces proline 545 with serine.
Molecular consequence: missense variant.
Genome position (GRCh38, 1-based): chr11:119,285,258, C>T. VCF-style: chr11-119285258-C-T. GRCh37 (hg19) VCF-style: chr11-119155968-C-T.
Other names: c.1633C>T (NM_005188.2); short protein forms P545S.
Identifiers: ClinVar variation 2904565 (VCV002904565.5), dbSNP rs766442277, ClinGen allele CA6318577.

ClinVar aggregate classification (germline): Uncertain significance. Review status: criteria provided, multiple submitters, no conflicts (2 of 4 stars). 2 submissions from 2 submitters: Uncertain significance (2). Last evaluated 2024-12-07.

Conditions:
Cardiovascular phenotype. Identifiers: MedGen CN230736.
RASopathy. Also called: Noonan spectrum disorder; rasopathies. Identifiers: Orphanet 536391, MedGen C5555857, MONDO:0021060.

Allele frequency attached by ClinVar (database versions not stated): gnomAD exomes below 0.00001; ExAC 0.00001.
gnomAD v4.1: 1 of 1,614,176 alleles (0.000062%); highest among the groups gnomAD compares: East Asian, 0.0022%; no homozygotes.

Submissions (2):

Ambry Genetics
Classification: Uncertain significance for Cardiovascular phenotype. Last evaluated: 2024-12-07. Review status: criteria provided, single submitter. Criteria: Ambry Variant Classification Scheme 2023. Collection method: clinical testing. Allele origin: germline.
Comment: The p.P545S variant (also known as c.1633C>T), located in coding exon 11 of the CBL gene, results from a C to T substitution at nucleotide position 1633. The proline at codon 545 is replaced by serine, an amino acid with similar properties. This amino acid position is conserved. In addition, the in silico prediction for this alteration is inconclusive. Based on the available evidence, the clinical significance of this variant remains unclear.

Labcorp Genetics (formerly Invitae), Labcorp
Classification: Uncertain significance for RASopathy. Last evaluated: 2022-12-07. Review status: criteria provided, single submitter. Criteria: Invitae Variant Classification Sherloc (09022015). Collection method: clinical testing. Allele origin: germline.
Comment: In summary, the available evidence is currently insufficient to determine the role of this variant in disease. Therefore, it has been classified as a Variant of Uncertain Significance. Advanced modeling of protein sequence and biophysical properties (such as structural, functional, and spatial information, amino acid conservation, physicochemical variation, residue mobility, and thermodynamic stability) has been performed at Invitae for this missense variant, however the output from this modeling did not meet the statistical confidence thresholds required to predict the impact of this variant on CBL protein function. This variant has not been reported in the literature in individuals affected with CBL-related conditions. This variant is present in population databases (rs766442277, gnomAD 0.006%). This sequence change replaces proline, which is neutral and non-polar, with serine, which is neutral and polar, at codon 545 of the CBL protein (p.Pro545Ser).